The following is an entry in ClinVar:

NM_006922.4(SCN3A):c.3922G>T (p.Ala1308Ser)

Gene: SCN3A (sodium voltage-gated channel alpha subunit 3; minus strand). Cytogenetic location: 2q24.3.
Variant type: single nucleotide variant.
Coding change: c.3922G>T on transcript NM_006922.4 (MANE Select); coding-DNA position 3922, G replaced by T.
Protein change: p.Ala1308Ser; replaces alanine 1308 with serine.
Molecular consequence: missense variant.
Genome position (GRCh38, 1-based): chr2:165,100,346, C>A on the plus strand (G>T on the coding strand, the complement: SCN3A is on the minus strand). VCF-style: chr2-165100346-C-A. GRCh37 (hg19) VCF-style: chr2-165956856-C-A.
Other names: c.3775G>T, p.Ala1259Ser (NM_001081676.2, NM_001081677.2); short protein forms A1259S, A1308S.
Identifiers: ClinVar variation 4527664 (VCV004527664.1).

ClinVar aggregate classification (germline): Uncertain significance (1 of 4 stars; one submission).

Submission:

GeneDx
Classification: Uncertain significance. Last evaluated: 2025-04-30. Review status: criteria provided, single submitter. Criteria: GeneDx Variant Classification Process June 2021. Collection method: clinical testing. Allele origin: germline. Affected: yes.
Comment: Not observed at significant frequency in large population cohorts (gnomAD); In silico analysis supports that this missense variant has a deleterious effect on protein structure/function; Has not been previously published as pathogenic or benign to our knowledge